The following is an entry in ClinVar:

NM_030665.4(RAI1):c.5666T>C (p.Ile1889Thr)

Gene: RAI1 (retinoic acid induced 1; plus strand). Cytogenetic location: 17p11.2.
Variant type: single nucleotide variant.
Coding change: c.5666T>C on transcript NM_030665.4 (MANE Select); coding-DNA position 5666, T replaced by C.
Protein change: p.Ile1889Thr; replaces isoleucine 1889 with threonine.
Molecular consequence: missense variant.
Genome position (GRCh38, 1-based): chr17:17,809,396, T>C. VCF-style: chr17-17809396-T-C. GRCh37 (hg19) VCF-style: chr17-17712710-T-C.
Other names: c.5666T>C (NM_030665.3); short protein forms I1889T.
Identifiers: ClinVar variation 1373347 (VCV001373347.9), dbSNP rs2032660216, ClinGen allele CA398560219.
Genomic context (GRCh38, chr17:17,809,396, plus strand): 5'-CAGCTGTGGGGCCCCCACCCTGTCCTAACCACCGAAACTTCTCTTTGGTCACAGGTTGCA[T>C]ATTCATCGAAGAGAACTTTTCTTTGAAATGTCCCAAACATAAGGTAGGGGACCACAGTGT-3'
Protein context (NP_109590.3, residues 1879-1899): HYPCASDAGC[Ile1889Thr]FIEENFSLKC

ClinVar aggregate classification (germline): Uncertain significance. Review status: criteria provided, multiple submitters, no conflicts (2 of 4 stars). 2 submissions from 2 submitters: Uncertain significance (2). Last evaluated 2026-06-16.

Conditions:
RAI1-related disorder. Also called: RAI1-related condition.

Allele frequency attached by ClinVar (database versions not stated): gnomAD exomes below 0.00001; TOPMed below 0.00001.
gnomAD v4.1: 3 of 1,608,510 alleles (0.00019%); highest among the groups gnomAD compares: Non-Finnish European, 0.00026%; no homozygotes.

Submissions (2):

PreventionGenetics, part of Exact Sciences
Classification: Uncertain significance for RAI1-related condition. Last evaluated: 2026-06-16. Review status: criteria provided, single submitter. Criteria: ACMG Guidelines, 2015. Collection method: clinical testing. Allele origin: germline.
Comment: The RAI1 c.5666T>C variant is predicted to result in the amino acid substitution p.Ile1889Thr. To our knowledge, this variant has not been reported in the literature or in a large population database, indicating this variant is rare. At this time, the clinical significance of this variant is uncertain due to the absence of conclusive functional and genetic evidence.

Labcorp Genetics (formerly Invitae), Labcorp
Classification: Uncertain significance. Last evaluated: 2023-06-10. Review status: criteria provided, single submitter. Criteria: Invitae Variant Classification Sherloc (09022015). Collection method: clinical testing. Allele origin: germline.
Comment: In summary, the available evidence is currently insufficient to determine the role of this variant in disease. Therefore, it has been classified as a Variant of Uncertain Significance. Advanced modeling of protein sequence and biophysical properties (such as structural, functional, and spatial information, amino acid conservation, physicochemical variation, residue mobility, and thermodynamic stability) performed at Invitae indicates that this missense variant is not expected to disrupt RAI1 protein function. ClinVar contains an entry for this variant (Variation ID: 1373347). This variant has not been reported in the literature in individuals affected with RAI1-related conditions. This variant is not present in population databases (gnomAD no frequency). This sequence change replaces isoleucine, which is neutral and non-polar, with threonine, which is neutral and polar, at codon 1889 of the RAI1 protein (p.Ile1889Thr).